The following is an entry in ClinVar:

ClinVar aggregate classification (germline): Uncertain significance (1 of 4 stars; one submission).

Conditions:
Microcephaly, normal intelligence and immunodeficiency (NBS). Also called: IMMUNODEFICIENCY, MICROCEPHALY, AND CHROMOSOMAL INSTABILITY; Immunodeficiency, microcephaly with normal intelligence; SEEMANOVA SYNDROME II; Ataxia telangiectasia variant V1; Microcephaly with normal intelligence immunodeficiency and lymphoreticular malignancies; Nonsyndromal microcephaly autosomal recessive with normal intelligence. Identifiers: Orphanet 647, MedGen C0398791, MONDO:0009623, OMIM 251260.

Submission:

Labcorp Genetics (formerly Invitae), Labcorp
Classification: Uncertain significance for Microcephaly, normal intelligence and immunodeficiency. Last evaluated: 2018-12-09. Review status: criteria provided, single submitter. Criteria: Invitae Variant Classification Sherloc (09022015). Collection method: clinical testing. Allele origin: germline.
Comment: In summary, the available evidence is currently insufficient to determine the role of this variant in disease. Therefore, it has been classified as a Variant of Uncertain Significance. Nucleotide substitutions within the consensus splice site are a relatively common cause of aberrant splicing (PMID: 17576681, 9536098). Algorithms developed to predict the effect of sequence changes on RNA splicing suggest that this variant is not likely to affect RNA splicing, but this prediction has not been confirmed by published transcriptional studies. This variant has not been reported in the literature in individuals with NBN-related conditions. This variant is not present in population databases (ExAC no frequency). This sequence change falls in intron 15 of the NBN gene. It does not directly change the encoded amino acid sequence of the NBN protein, but it affects a nucleotide within the consensus splice site of the intron.

Literature cited by the submitters: PubMed 17576681; PubMed 9536098.

NM_002485.5(NBN):c.2234+5A>C

Gene: NBN (nibrin; minus strand). Cytogenetic location: 8q21.3.
Variant type: single nucleotide variant.
Coding change: c.2234+5A>C on transcript NM_002485.5 (MANE Select); 5 bases into the intron after coding-DNA position 2234, A replaced by C.
Molecular consequence: intron variant.
Genome position (GRCh38, 1-based): chr8:89,937,021, T>G on the plus strand (A>C on the coding strand, the complement: NBN is on the minus strand). VCF-style: chr8-89937021-T-G. GRCh37 (hg19) VCF-style: chr8-90949249-T-G.
Other names: c.1988+5A>C (NM_001024688.3).
Identifiers: ClinVar variation 643140 (VCV000643140.8), dbSNP rs1586024121, ClinGen allele CA915945758.
Genomic context (GRCh38, chr8:89,937,021, plus strand): 5'-ATGAACAGAACTAAATTTTATATACATCTCTCAAAGGTACATGAGAAAGGTGAATCAAAC[T>G]TTACCTAAAAAGATCATCAGCAAGAGACTCTTCTTTTGCATGTTGATTTTGTACCTGTCA-3'